The following is an entry in ClinVar:

NM_004341.5(CAD):c.163C>T (p.Pro55Ser)

Gene: CAD (carbamoyl-phosphate synthetase 2, aspartate transcarbamylase, and dihydroorotase; plus strand). Cytogenetic location: 2p23.3.
Variant type: single nucleotide variant.
Coding change: c.163C>T on transcript NM_004341.5 (MANE Select); coding-DNA position 163, C replaced by T.
Protein change: p.Pro55Ser; replaces proline 55 with serine.
Molecular consequence: missense variant.
Genome position (GRCh38, 1-based): chr2:27,217,957, C>T. VCF-style: chr2-27217957-C-T. GRCh37 (hg19) VCF-style: chr2-27440825-C-T.
Other names: c.163C>T, p.Pro55Ser (NM_001306079.2); c.163C>T (NM_004341.3); short protein forms P55S.
Identifiers: ClinVar variation 1351807 (VCV001351807.6), dbSNP rs1172957816, ClinGen allele CA346196255.
Genomic context (GRCh38, chr2:27,217,957, plus strand): 5'-GGCTACCCCGAGGCCCTCACTGATCCCTCCTACAAGGCACAGATCTTAGTGCTCACCTAT[C>T]CTCTGATCGGCAACTATGGCATCCCCCCAGATGAAATGGATGAGTTCGGTCTCTGCAAGG-3'
Protein context (NP_004332.2, residues 45-65): YKAQILVLTY[Pro55Ser]LIGNYGIPPD

ClinVar aggregate classification (germline): Uncertain significance. Review status: criteria provided, multiple submitters, no conflicts (2 of 4 stars). 2 submissions from 2 submitters: Uncertain significance (2). Last evaluated 2022-11-01.

Conditions:
Inborn genetic diseases. Identifiers: MedGen C0950123, MeSH D030342.

Allele frequency attached by ClinVar (database versions not stated): TOPMed below 0.00001; gnomAD 0.00001; gnomAD exomes 0.00002.

Submissions (2):

Labcorp Genetics (formerly Invitae), Labcorp
Classification: Uncertain significance. Last evaluated: 2022-11-01. Review status: criteria provided, single submitter. Criteria: Invitae Variant Classification Sherloc (09022015). Collection method: clinical testing. Allele origin: germline.
Comment: This sequence change replaces proline, which is neutral and non-polar, with serine, which is neutral and polar, at codon 55 of the CAD protein (p.Pro55Ser). This variant is present in population databases (no rsID available, gnomAD 0.007%). This variant has not been reported in the literature in individuals affected with CAD-related conditions. ClinVar contains an entry for this variant (Variation ID: 1351807). Advanced modeling of protein sequence and biophysical properties (such as structural, functional, and spatial information, amino acid conservation, physicochemical variation, residue mobility, and thermodynamic stability) performed at Invitae indicates that this missense variant is expected to disrupt CAD protein function. In summary, the available evidence is currently insufficient to determine the role of this variant in disease. Therefore, it has been classified as a Variant of Uncertain Significance.

Ambry Genetics
Classification: Uncertain significance for Inborn genetic diseases. Last evaluated: 2021-08-17. Review status: criteria provided, single submitter. Criteria: Ambry Variant Classification Scheme 2023. Collection method: clinical testing. Allele origin: germline.